The following is an entry in ClinVar:

ClinVar aggregate classification (germline): Uncertain significance (1 of 4 stars; one submission).

Conditions:
Spondyloepimetaphyseal dysplasia-short limb-abnormal calcification syndrome (SMED-SL). Also called: Spondylometaepiphyseal dysplasia, short limb-hand type; SMED, TYPE II; SMED-SL/AC; SMED short limb-hand type; SMED type 2; Spondylometaepiphyseal dysplasia short limb-abnormal calcification type. Identifiers: Orphanet 93358, MedGen C1849011, MONDO:0010077, OMIM 271665.

Allele frequency attached by ClinVar (database versions not stated): gnomAD exomes below 0.00001; gnomAD 0.00001; TOPMed 0.00001.
gnomAD v4.1: 4 of 1,613,986 alleles (0.00025%); highest among the groups gnomAD compares: African/African-American, 0.0053%; no homozygotes.

Submission:

Baylor Genetics
Classification: Uncertain significance for Spondyloepimetaphyseal dysplasia-short limb-abnormal calcification syndrome. Last evaluated: 2019-04-11. Review status: criteria provided, single submitter. Criteria: ACMG Guidelines, 2015. Collection method: clinical testing. Allele origin: paternal. Affected: yes.
Comment: This variant was determined to be of uncertain significance according to ACMG Guidelines, 2015 [PMID:25741868].

NM_006182.4(DDR2):c.833T>A (p.Ile278Asn)

Gene: DDR2 (discoidin domain receptor tyrosine kinase 2; plus strand). Cytogenetic location: 1q23.3.
Variant type: single nucleotide variant.
Coding change: c.833T>A on transcript NM_006182.4 (MANE Select); coding-DNA position 833, T replaced by A.
Protein change: p.Ile278Asn; replaces isoleucine 278 with asparagine.
Molecular consequence: missense variant.
Genome position (GRCh38, 1-based): chr1:162,759,957, T>A. VCF-style: chr1-162759957-T-A. GRCh37 (hg19) VCF-style: chr1-162729747-T-A.
Other names: c.833T>A, p.Ile278Asn (NM_001014796.3, NM_001354982.2, NM_001354983.2); short protein forms I278N.
Identifiers: ClinVar variation 1031024 (VCV001031024.1), dbSNP rs1261057547, ClinGen allele CA343408615.